The following is an entry in ClinVar:

ClinVar aggregate classification (germline): Uncertain significance (1 of 4 stars; one submission).

Conditions:
Ehlers-Danlos syndrome, classic type, 1 (EDSCL1). Also called: EHLERS-DANLOS SYNDROME, GRAVIS TYPE; EHLERS-DANLOS SYNDROME, SEVERE CLASSIC TYPE; Ehlers-Danlos syndrome, type 1; EDS I; Ehlers-Danlos Syndrome, Classic Type, COL5A1-Related. Identifiers: MedGen C0268335, MONDO:0019567, OMIM 130000.

Allele frequency attached by ClinVar (database versions not stated): gnomAD exomes below 0.00001.
gnomAD v4.1: 1 of 1,613,958 alleles (0.000062%); highest among the groups gnomAD compares: Non-Finnish European, 0.000085%; no homozygotes.

Submission:

Labcorp Genetics (formerly Invitae), Labcorp
Classification: Uncertain significance for Ehlers-Danlos syndrome, classic type, 1. Last evaluated: 2022-04-07. Review status: criteria provided, single submitter. Criteria: Invitae Variant Classification Sherloc (09022015). Collection method: clinical testing. Allele origin: germline.
Comment: In summary, the available evidence is currently insufficient to determine the role of this variant in disease. Therefore, it has been classified as a Variant of Uncertain Significance. Advanced modeling of protein sequence and biophysical properties (such as structural, functional, and spatial information, amino acid conservation, physicochemical variation, residue mobility, and thermodynamic stability) performed at Invitae indicates that this missense variant is not expected to disrupt COL5A2 protein function. This variant has not been reported in the literature in individuals affected with COL5A2-related conditions. This variant is not present in population databases (gnomAD no frequency). This sequence change replaces aspartic acid, which is acidic and polar, with valine, which is neutral and non-polar, at codon 967 of the COL5A2 protein (p.Asp967Val).

NM_000393.5(COL5A2):c.2900A>T (p.Asp967Val)

Gene: COL5A2 (collagen type V alpha 2 chain; minus strand). Cytogenetic location: 2q32.2.
Variant type: single nucleotide variant.
Coding change: c.2900A>T on transcript NM_000393.5 (MANE Select); coding-DNA position 2900, A replaced by T.
Protein change: p.Asp967Val; replaces aspartic acid 967 with valine.
Molecular consequence: missense variant.
Genome position (GRCh38, 1-based): chr2:189,051,351, T>A on the plus strand (A>T on the coding strand, the complement: COL5A2 is on the minus strand). VCF-style: chr2-189051351-T-A. GRCh37 (hg19) VCF-style: chr2-189916077-T-A.
Other names: short protein forms D967V.
Identifiers: ClinVar variation 2109837 (VCV002109837.4), dbSNP rs2469256000, ClinGen allele CA349867558.
Genomic context (GRCh38, chr2:189,051,351, plus strand): 5'-GTGGTCTGGAACGGATACGCCAAACTTACAGGTTGCCCATCTTCTCCTGGGTCCCCTTTG[T>A]CTCCTGGGCCACCAGGGGGGCCAGCTGGTCCTCGATCTCCCACACGCCCATGAGAGCCAG-3'
Protein context (NP_000384.2, residues 957-977): GPAGPPGGPG[Asp967Val]KGDPGEDGQP